The following is an entry in ClinVar:

NM_001244008.2(KIF1A):c.2581A>C (p.Ser861Arg)

Gene: KIF1A (kinesin family member 1A; minus strand). Cytogenetic location: 2q37.3.
Variant type: single nucleotide variant.
Coding change: c.2581A>C on transcript NM_001244008.2 (MANE Select); coding-DNA position 2581, A replaced by C.
Protein change: p.Ser861Arg; replaces serine 861 with arginine.
Molecular consequence: missense variant. On other transcripts: synonymous variant (19).
Genome position (GRCh38, 1-based): chr2:240,758,361, T>G on the plus strand (A>C on the coding strand, the complement: KIF1A is on the minus strand). VCF-style: chr2-240758361-T-G. GRCh37 (hg19) VCF-style: chr2-241697778-T-G.
Other names: c.2581A>C, p.Arg861= (NM_001320705.2, NM_001330289.2, NM_001379638.1); c.2656A>C, p.Arg886= (NM_001330290.2, NM_001379634.1, NM_001379635.1 and 1 more transcripts); c.2656A>C, p.Ser886Arg (NM_001379631.1); c.2554A>C, p.Ser852Arg (NM_001379632.1, NM_001379633.1, NM_001379642.1 and 1 more transcripts); c.2554A>C, p.Arg852= (NM_001379636.1, NM_001379639.1, NM_001379640.1 and 7 more transcripts); c.2629A>C, p.Arg877= (NM_001379637.1, NM_001379648.1); short protein forms S886R, S852R, S861R.
Identifiers: ClinVar variation 2945096 (VCV002945096.3), dbSNP rs2125874959, ClinGen allele CA351323313.

ClinVar aggregate classification (germline): Uncertain significance (1 of 4 stars; one submission).

Conditions:
Neuropathy, hereditary sensory, type 2C. Also called: KIF1A-Related HSAN2 (HSAN2C); Hereditary sensory and autonomic neuropathy type IIC. Identifiers: Orphanet 970, MedGen C3280168, MONDO:0013634, OMIM 614213.
Hereditary spastic paraplegia 30. Identifiers: Orphanet 101010, MedGen C5235139, MONDO:0012476.
Intellectual disability, autosomal dominant 9 (NESCAVS). Also called: NESCAV SYNDROME; KIF1A-Related Neurodevelopmental Disorder. Identifiers: Orphanet 662367, MedGen C5393830, MONDO:0013656, OMIM 614255.

Submission:

Labcorp Genetics (formerly Invitae), Labcorp
Classification: Uncertain significance for Hereditary spastic paraplegia 30; Neuropathy, hereditary sensory, type 2C; Intellectual disability, autosomal dominant 9. Last evaluated: 2023-03-08. Review status: criteria provided, single submitter. Criteria: Invitae Variant Classification Sherloc (09022015). Collection method: clinical testing. Allele origin: germline.
Comment: This sequence change affects codon 852 of the KIF1A mRNA. It is a 'silent' change, meaning that it does not change the encoded amino acid sequence of the KIF1A protein. It affects a nucleotide within the consensus splice site. This variant is not present in population databases (gnomAD no frequency). This variant has not been reported in the literature in individuals affected with KIF1A-related conditions. Algorithms developed to predict the effect of sequence changes on RNA splicing suggest that this variant may disrupt the consensus splice site. In summary, the available evidence is currently insufficient to determine the role of this variant in disease. Therefore, it has been classified as a Variant of Uncertain Significance.